The following is an entry in ClinVar:

NM_002878.4(RAD51D):c.82+14C>T

Genes: RAD51L3-RFFL (RAD51L3-RFFL readthrough; minus strand), RAD51D (RAD51 paralog D; minus strand). Cytogenetic location: 17q12.
Variant type: single nucleotide variant.
Coding change: c.82+14C>T on transcript NM_002878.4 (MANE Select); 14 bases into the intron after coding-DNA position 82, C replaced by T.
Molecular consequence: intron variant.
Genome position (GRCh38, 1-based): chr17:35,119,518, G>A on the plus strand (C>T on the coding strand, the complement: RAD51D is on the minus strand). VCF-style: chr17-35119518-G-A. GRCh37 (hg19) VCF-style: chr17-33446537-G-A.
Other names: c.82+14C>T (NM_133629.3, NM_001142571.2).
Identifiers: ClinVar variation 3663984 (VCV003663984.2).

ClinVar aggregate classification (germline): Uncertain significance (1 of 4 stars; one submission).

Conditions:
Breast-ovarian cancer, familial, susceptibility to, 4. Identifiers: Orphanet 145, MedGen C3280345, MONDO:0013669, OMIM 614291.

gnomAD v4.1: 1 of 1,610,202 alleles (0.000062%); no homozygotes.

Submission:

Labcorp Genetics (formerly Invitae), Labcorp
Classification: Uncertain significance for Breast-ovarian cancer, familial, susceptibility to, 4. Last evaluated: 2024-08-29. Review status: criteria provided, single submitter. Criteria: Invitae Variant Classification Sherloc (09022015). Collection method: clinical testing. Allele origin: germline.
Comment: This sequence change falls in intron 1 of the RAD51D gene. It does not directly change the encoded amino acid sequence of the RAD51D protein. This variant is not present in population databases (gnomAD no frequency). This variant has not been reported in the literature in individuals affected with RAD51D-related conditions. Algorithms developed to predict the effect of sequence changes on RNA splicing suggest that this variant may create or strengthen a splice site. In summary, the available evidence is currently insufficient to determine the role of this variant in disease. Therefore, it has been classified as a Variant of Uncertain Significance.